The following is an entry in ClinVar:

ClinVar aggregate classification (germline): Pathogenic/Likely pathogenic. Review status: criteria provided, multiple submitters, no conflicts (2 of 4 stars). 2 submissions from 2 submitters: Pathogenic (1); Likely pathogenic (1). Last evaluated 2024-12-31.

Conditions:
Usher syndrome type 1C. Also called: USHER SYNDROME, TYPE I, ACADIAN VARIETY. Identifiers: Orphanet 231169, Orphanet 886, MedGen C1848604, MONDO:0010171, OMIM 276904.

Submissions (2):

Natera, Inc.
Classification: Likely pathogenic for Usher syndrome type 1C. Last evaluated: 2024-12-31. Review status: criteria provided, single submitter. Criteria: Natera Variant Classification Schema (03/2026). Collection method: clinical testing. Allele origin: germline.
Comment: The c.948_955del variant in USH1C is a frameshift variant predicted to shift the reading frame beginning at codon 316 and leads to a stop codon 36 codons downstream. This variant is expected to result in nonsense mediated decay, truncation, or a dysfunctional protein product. This variant is rare in the general population with a frequency below the threshold expected for the associated phenotype(s). Given the available evidence, this variant is classified as Likely Pathogenic.

Labcorp Genetics (formerly Invitae), Labcorp
Classification: Pathogenic. Last evaluated: 2021-11-29. Review status: criteria provided, single submitter. Criteria: Invitae Variant Classification Sherloc (09022015). Collection method: clinical testing. Allele origin: germline.
Comment: This variant has not been reported in the literature in individuals affected with USH1C-related conditions. This variant is not present in population databases (gnomAD no frequency). ClinVar contains an entry for this variant (Variation ID: 1073507). For these reasons, this variant has been classified as Pathogenic. This sequence change creates a premature translational stop signal (p.Glu316Aspfs*36) in the USH1C gene. It is expected to result in an absent or disrupted protein product. Loss-of-function variants in USH1C are known to be pathogenic (PMID: 10973247, 17407589, 20301442, 21203349).

Literature cited by the submitters: PubMed 10973247 (cited by Labcorp Genetics (formerly Invitae), Labcorp); PubMed 17407589 (cited by Labcorp Genetics (formerly Invitae), Labcorp); PubMed 20301442 (cited by Labcorp Genetics (formerly Invitae), Labcorp); PubMed 21203349 (cited by Labcorp Genetics (formerly Invitae), Labcorp).

NM_153676.4(USH1C):c.948_955del (p.Glu316fs)

Gene: USH1C (USH1 protein network component harmonin; minus strand). Cytogenetic location: 11p15.1.
Variant type: Deletion.
Coding change: c.948_955del on transcript NM_153676.4 (MANE Select); coding-DNA positions 948 to 955, 8 bases deleted (GCTTCTCA; older notation c.948_955delGCTTCTCA).
Protein change: p.Glu316fs; shifts the reading frame from glutamic acid 316.
Molecular consequence: frameshift variant. On other transcripts: non-coding transcript variant (1).
Genome position (GRCh38, 1-based): chr11:17,522,848-17,522,855, TGAGAAGC deleted on the plus strand (GCTTCTCA on the coding strand, the reverse complement: USH1C is on the minus strand); deleting any 8 consecutive bases within chr11:17,522,848-17,522,856 gives the same sequence; the c. name uses the placement nearest the transcript's 3' end. VCF-style (leftmost placement, unchanged base first): chr11-17522847-ATGAGAAGC-A. GRCh37 (hg19) VCF-style: chr11-17544394-ATGAGAAGC-A.
Other names: c.891_898del, p.Glu297fs (NM_001297764.2); c.948_955del, p.Glu316fs (NM_005709.4); c.948_955del (NM_005709.3); short protein forms E297fs, E316fs.
Identifiers: ClinVar variation 1073507 (VCV001073507.8), dbSNP rs1312118611, ClinGen allele CA674236314.
Genomic context (GRCh38, chr11:17,522,847, plus strand): 5'-CGCTCCATCTCCTGCTGCTCCTGGAGGATCTTGTTGGACTCCATCGCCAGCCGCTTCTGC[ATGAGAAGC>A]TCCTGCCGCTGCAGCTCACGCTGCCGCGCCTCTGCCAGCCGCTCCCGGTCTGTCATGAAC-3'